The following is an entry in ClinVar:

ClinVar aggregate classification (germline): Uncertain significance. Review status: criteria provided, multiple submitters, no conflicts (2 of 4 stars). 2 submissions from 2 submitters: Uncertain significance (2). Last evaluated 2022-12-25.

Conditions:
2-aminoadipic 2-oxoadipic aciduria (AAKAD). Also called: ALPHA-AMINOADIPIC AND ALPHA-KETOADIPIC ACIDURIA; Aminoadipic aciduria. Identifiers: Orphanet 79154, MedGen C1859817, MONDO:0008774, OMIM 204750.

Allele frequency attached by ClinVar (database versions not stated): gnomAD exomes below 0.00001 and 0.00001; TOPMed below 0.00001; ExAC 0.00001.
gnomAD v4.1: 1 of 1,575,628 alleles (0.000063%); highest among the groups gnomAD compares: Admixed American, 0.0017%; no homozygotes.

Submissions (2):

Labcorp Genetics (formerly Invitae), Labcorp
Classification: Uncertain significance for 2-aminoadipic 2-oxoadipic aciduria. Last evaluated: 2022-12-25. Review status: criteria provided, single submitter. Criteria: Invitae Variant Classification Sherloc (09022015). Collection method: clinical testing. Allele origin: germline.
Comment: In summary, the available evidence is currently insufficient to determine the role of this variant in disease. Therefore, it has been classified as a Variant of Uncertain Significance. Variants that disrupt the consensus splice site are a relatively common cause of aberrant splicing (PMID: 17576681, 9536098). Algorithms developed to predict the effect of sequence changes on RNA splicing suggest that this variant may disrupt the consensus splice site. ClinVar contains an entry for this variant (Variation ID: 1691782). This variant has not been reported in the literature in individuals affected with DHTKD1-related conditions. This variant is present in population databases (rs761346066, gnomAD 0.006%). This sequence change falls in intron 2 of the DHTKD1 gene. It does not directly change the encoded amino acid sequence of the DHTKD1 protein. It affects a nucleotide within the consensus splice site.

GeneDx
Classification: Uncertain significance. Last evaluated: 2021-12-15. Review status: criteria provided, single submitter. Criteria: GeneDx Variant Classification Process June 2021. Collection method: clinical testing. Allele origin: germline. Affected: yes.
Comment: Has not been previously published as pathogenic or benign to our knowledge; In silico analysis supports a deleterious effect on splicing

Literature cited by the submitters: PubMed 17576681 (cited by Labcorp Genetics (formerly Invitae), Labcorp); PubMed 9536098 (cited by Labcorp Genetics (formerly Invitae), Labcorp).

NC_000010.11:g.12084537C>G

Gene: DHTKD1 (dehydrogenase E1 and transketolase domain containing 1; plus strand). Cytogenetic location: 10p14.
Variant type: single nucleotide variant.
Genome position: GRCh38 VCF-style: chr10-12084537-C-G. GRCh37 (hg19) VCF-style: chr10-12126536-C-G.
Other names: c.311-3C>G (NM_018706.7).
Identifiers: ClinVar variation 1691782 (VCV001691782.5), dbSNP rs761346066, ClinGen allele CA5407518.